The following is an entry in ClinVar:

NM_138459.5(NUS1):c.199C>A (p.Arg67Ser)

Gene: NUS1 (NUS1 dehydrodolichyl diphosphate synthase subunit; plus strand). Cytogenetic location: 6q22.1.
Variant type: single nucleotide variant.
Coding change: c.199C>A on transcript NM_138459.5 (MANE Select); coding-DNA position 199, C replaced by A.
Protein change: p.Arg67Ser; replaces arginine 67 with serine.
Molecular consequence: missense variant.
Genome position (GRCh38, 1-based): chr6:117,675,869, C>A. VCF-style: chr6-117675869-C-A. GRCh37 (hg19) VCF-style: chr6-117997032-C-A.
Other names: short protein forms R67S.
Identifiers: ClinVar variation 1394306 (VCV001394306.6), dbSNP rs1433668009, ClinGen allele CA365536101.

ClinVar aggregate classification (germline): Uncertain significance (1 of 4 stars; one submission).

Conditions:
Congenital disorder of glycosylation, type Iaa. Also called: Congenital disorder of glycosylation, type 1aa. Identifiers: MedGen C4310727, MONDO:0014904, OMIM 617082.

Allele frequency attached by ClinVar (database versions not stated): gnomAD exomes 0.00002.

Submission:

Labcorp Genetics (formerly Invitae), Labcorp
Classification: Uncertain significance for Congenital disorder of glycosylation, type Iaa. Last evaluated: 2025-12-01. Review status: criteria provided, single submitter. Criteria: Invitae Variant Classification Sherloc (09022015). Collection method: clinical testing. Allele origin: germline.
Comment: This sequence change replaces arginine, which is basic and polar, with serine, which is neutral and polar, at codon 67 of the NUS1 protein (p.Arg67Ser). This variant is present in population databases (no rsID available, gnomAD 0.01%). This variant has not been reported in the literature in individuals affected with NUS1-related conditions. ClinVar contains an entry for this variant (Variation ID: 1394306). An algorithm developed to predict the effect of missense changes on protein structure and function (PolyPhen-2) suggests that this variant is likely to be tolerated. In summary, the available evidence is currently insufficient to determine the role of this variant in disease. Therefore, it has been classified as a Variant of Uncertain Significance.